The following is an entry in ClinVar:

NM_002137.4(HNRNPA2B1):c.392T>C (p.Ile131Thr)

Gene: HNRNPA2B1 (heterogeneous nuclear ribonucleoprotein A2/B1; minus strand). Cytogenetic location: 7p15.2.
Variant type: single nucleotide variant.
Coding change: c.392T>C on transcript NM_002137.4 (MANE Select); coding-DNA position 392, T replaced by C.
Protein change: p.Ile131Thr; replaces isoleucine 131 with threonine.
Molecular consequence: missense variant.
Genome position (GRCh38, 1-based): chr7:26,196,890, A>G on the plus strand (T>C on the coding strand, the complement: HNRNPA2B1 is on the minus strand). VCF-style: chr7-26196890-A-G. GRCh37 (hg19) VCF-style: chr7-26236510-A-G.
Other names: c.392T>C, p.Ile131Thr (NM_001438063.1, NM_001438571.1, NM_001438572.1 and 4 more transcripts); c.428T>C, p.Ile143Thr (NM_001438568.1, NM_001438569.1, NM_001438570.1 and 3 more transcripts); short protein forms I131T, I143T.
Identifiers: ClinVar variation 4689997 (VCV004689997.1).

ClinVar aggregate classification (germline): Uncertain significance (1 of 4 stars; one submission).

Submission:

GeneDx
Classification: Uncertain significance. Last evaluated: 2025-07-27. Review status: criteria provided, single submitter. Criteria: GeneDx Variant Classification Process June 2021. Collection method: clinical testing. Allele origin: germline. Affected: yes.
Comment: Not observed at significant frequency in large population cohorts (gnomAD); In silico analysis supports that this missense variant has a deleterious effect on protein structure/function; Has not been previously published as pathogenic or benign to our knowledge